The following is an entry in ClinVar:

NM_004006.3(DMD):c.1318G>T (p.Glu440Ter)

Gene: DMD (dystrophin; minus strand). Cytogenetic location: Xp21.1.
Variant type: single nucleotide variant.
Coding change: c.1318G>T on transcript NM_004006.3 (MANE Select); coding-DNA position 1318, G replaced by T.
Protein change: p.Glu440Ter; replaces glutamic acid 440 with a stop codon.
Molecular consequence: nonsense.
Genome position (GRCh38, 1-based): chrX:32,644,145, C>A on the plus strand (G>T on the coding strand, the complement: DMD is on the minus strand). VCF-style: chrX-32644145-C-A. GRCh37 (hg19) VCF-style: chrX-32662262-C-A.
Other names: c.1294G>T, p.Glu432Ter (NM_000109.4); c.1306G>T, p.Glu436Ter (NM_004009.3); c.949G>T, p.Glu317Ter (NM_004010.3); short protein forms E317*, E440*, E432*, E436*.
Identifiers: ClinVar variation 2700518 (VCV002700518.3), dbSNP rs189143447, ClinGen allele CA412660848.
Genomic context (GRCh38, chrX:32,644,145, plus strand): 5'-TTCCAAAACTTGTTAGTCTTCTTAATTAAAAACAAATAAGGACTTACTTGCTTTGTTTTT[C>A]CATGCTAGCTACCCTGAGGCATTCCCATCTTGAATTTAGGAGATTCATCTGCTCTTGTAC-3'

ClinVar aggregate classification (germline): Pathogenic (1 of 4 stars; one submission).

Conditions:
Duchenne muscular dystrophy (DMD). Also called: MUSCULAR DYSTROPHY, PSEUDOHYPERTROPHIC PROGRESSIVE, DUCHENNE TYPE; Duchenne Muscular Dystrophy (DMD). Identifiers: Orphanet 98896, MedGen C0013264, MONDO:0010679, OMIM 310200.

Submission:

Labcorp Genetics (formerly Invitae), Labcorp
Classification: Pathogenic for Duchenne muscular dystrophy. Last evaluated: 2023-12-02. Review status: criteria provided, single submitter. Criteria: Invitae Variant Classification Sherloc (09022015). Collection method: clinical testing. Allele origin: germline.
Comment: This sequence change creates a premature translational stop signal (p.Glu440*) in the DMD gene. It is expected to result in an absent or disrupted protein product. Loss-of-function variants in DMD are known to be pathogenic (PMID: 16770791, 25007885). This variant is not present in population databases (gnomAD no frequency). This variant has not been reported in the literature in individuals affected with DMD-related conditions. For these reasons, this variant has been classified as Pathogenic.

Literature cited by the submitters: PubMed 16770791; PubMed 25007885.